The following is an entry in ClinVar:

NM_002485.5(NBN):c.43C>T (p.Pro15Ser)

Gene: NBN (nibrin; minus strand). Cytogenetic location: 8q21.3.
Variant type: single nucleotide variant.
Coding change: c.43C>T on transcript NM_002485.5 (MANE Select); coding-DNA position 43, C replaced by T.
Protein change: p.Pro15Ser; replaces proline 15 with serine.
Molecular consequence: missense variant. On other transcripts: 5 prime UTR variant (1).
Genome position (GRCh38, 1-based): chr8:89,982,850, G>A on the plus strand (C>T on the coding strand, the complement: NBN is on the minus strand). VCF-style: chr8-89982850-G-A. GRCh37 (hg19) VCF-style: chr8-90995078-G-A.
Other names: c.-254C>T (NM_001024688.3); short protein forms P15S.
Identifiers: ClinVar variation 1349720 (VCV001349720.6), dbSNP rs1563584802, ClinGen allele CA371663717.

ClinVar aggregate classification (germline): Uncertain significance (1 of 4 stars; one submission).

Conditions:
Microcephaly, normal intelligence and immunodeficiency (NBS). Also called: Immunodeficiency, microcephaly with normal intelligence; Microcephaly with normal intelligence immunodeficiency and lymphoreticular malignancies; Nonsyndromal microcephaly autosomal recessive with normal intelligence; Seemanova syndrome 2; Ataxia telangiectasia variant V1; SEEMANOVA SYNDROME II. Identifiers: Orphanet 647, MedGen C0398791, MONDO:0009623, OMIM 251260.

Submission:

Labcorp Genetics (formerly Invitae), Labcorp
Classification: Uncertain significance for Microcephaly, normal intelligence and immunodeficiency. Last evaluated: 2024-04-29. Review status: criteria provided, single submitter. Criteria: Invitae Variant Classification Sherloc (09022015). Collection method: clinical testing. Allele origin: germline.
Comment: This sequence change replaces proline, which is neutral and non-polar, with serine, which is neutral and polar, at codon 15 of the NBN protein (p.Pro15Ser). This variant is not present in population databases (gnomAD no frequency). This variant has not been reported in the literature in individuals affected with NBN-related conditions. ClinVar contains an entry for this variant (Variation ID: 1349720). An algorithm developed to predict the effect of missense changes on protein structure and function (PolyPhen-2) suggests that this variant is likely to be tolerated. In summary, the available evidence is currently insufficient to determine the role of this variant in disease. Therefore, it has been classified as a Variant of Uncertain Significance.